The following is an entry in ClinVar:

NM_031885.5(BBS2):c.779T>C (p.Leu260Pro)

Gene: BBS2 (Bardet-Biedl syndrome 2; minus strand). Cytogenetic location: 16q13.
Variant type: single nucleotide variant.
Coding change: c.779T>C on transcript NM_031885.5 (MANE Select); coding-DNA position 779, T replaced by C.
Protein change: p.Leu260Pro; replaces leucine 260 with proline.
Molecular consequence: missense variant. On other transcripts: non-coding transcript variant (5).
Genome position (GRCh38, 1-based): chr16:56,505,975, A>G on the plus strand (T>C on the coding strand, the complement: BBS2 is on the minus strand). VCF-style: chr16-56505975-A-G. GRCh37 (hg19) VCF-style: chr16-56539887-A-G.
Other names: c.779T>C, p.Leu260Pro (NM_001377456.1); short protein forms L260P.
Identifiers: ClinVar variation 4990512 (VCV004990512.1).
Genomic context (GRCh38, chr16:56,505,975, plus strand): 5'-CTGAATTATACCTGAACTTTGCTATTCAAACTTACCTTCCCATTGGACCAACCAGTTATC[A>G]GTTCATTCACTCCATCAGAATTAAGGTCAAAAGCATGAATGCTCATGGCATGATTTTTCG-3'
Protein context (NP_114091.4, residues 250-270): FDLNSDGVNE[Leu260Pro]ITGWSNGKVD

ClinVar aggregate classification (germline): Uncertain significance (1 of 4 stars; one submission).

Conditions:
BBS2-related disorder. Also called: BBS2-related disorders; BBS2-related condition. Identifiers: MedGen CN239228.

Submission:

PreventionGenetics, part of Exact Sciences
Classification: Uncertain significance for BBS2-related condition. Last evaluated: 2026-06-12. Review status: criteria provided, single submitter. Criteria: ACMG Guidelines, 2015. Collection method: clinical testing. Allele origin: germline.
Comment: The BBS2 c.779T>C variant is predicted to result in the amino acid substitution p.Leu260Pro. To our knowledge, this variant has not been reported in the literature or in a large population database (gnomAD), indicating it is rare. An alternate missense change impacting the same amino acid (p.Leu260Arg) has been reported, along with a BBS2 splice variant, in an individual with clinical features of Bardet-Biedl syndrome (Table S2, Chen et al. 2021. PubMed ID: 34031707). Although we suspect this variant may be pathogenic, at this time, the clinical significance of the c.779T>C (p.Leu260Pro) variant is uncertain due to the absence of conclusive functional and genetic evidence.